The following is an entry in ClinVar:

ClinVar aggregate classification (germline): Uncertain significance (1 of 4 stars; one submission).

Conditions:
Severe combined immunodeficiency due to DCLRE1C deficiency (RS-SCID). Also called: SCID, AUTOSOMAL RECESSIVE, T CELL-NEGATIVE, B CELL-NEGATIVE, NK CELL-POSITIVE, WITH SENSITIVITY TO IONIZING RADIATION. Identifiers: Orphanet 275, MedGen C1865371, MONDO:0011225, OMIM 602450.

Allele frequency attached by ClinVar (database versions not stated): gnomAD 0.00001.
gnomAD v4.1: 1 of 1,614,090 alleles (0.000062%); highest among the groups gnomAD compares: African/African-American, 0.0013%; no homozygotes.

Submission:

Labcorp Genetics (formerly Invitae), Labcorp
Classification: Uncertain significance for Athabaskan severe combined immunodeficiency. Last evaluated: 2021-09-24. Review status: criteria provided, single submitter. Criteria: Invitae Variant Classification Sherloc (09022015). Collection method: clinical testing. Allele origin: germline.
Comment: This sequence change replaces arginine with isoleucine at codon 565 of the DCLRE1C protein (p.Arg565Ile). The arginine residue is weakly conserved and there is a moderate physicochemical difference between arginine and isoleucine. This variant is not present in population databases (ExAC no frequency). This variant has not been reported in the literature in individuals with DCLRE1C-related conditions. Algorithms developed to predict the effect of missense changes on protein structure and function (SIFT, PolyPhen-2, Align-GVGD) all suggest that this variant is likely to be tolerated, but these predictions have not been confirmed by published functional studies and their clinical significance is uncertain. In summary, the available evidence is currently insufficient to determine the role of this variant in disease. Therefore, it has been classified as a Variant of Uncertain Significance.

NM_001033855.3(DCLRE1C):c.1694G>T (p.Arg565Ile)

Gene: DCLRE1C (DNA cross-link repair 1C; minus strand). Cytogenetic location: 10p13.
Variant type: single nucleotide variant.
Coding change: c.1694G>T on transcript NM_001033855.3 (MANE Select); coding-DNA position 1694, G replaced by T.
Protein change: p.Arg565Ile; replaces arginine 565 with isoleucine.
Molecular consequence: missense variant. On other transcripts: non-coding transcript variant (4).
Genome position (GRCh38, 1-based): chr10:14,908,793, C>A on the plus strand (G>T on the coding strand, the complement: DCLRE1C is on the minus strand). VCF-style: chr10-14908793-C-A. GRCh37 (hg19) VCF-style: chr10-14950792-C-A.
Other names: c.1334G>T, p.Arg445Ile (NM_001033857.3, NM_001033858.3, NM_001289077.2 and 2 more transcripts); c.1349G>T, p.Arg450Ile (NM_001289076.2, NM_001289078.2, NM_001350966.2 and 1 more transcripts); c.1694G>T, p.Arg565Ile (NM_001350965.2); short protein forms R445I, R565I, R450I.
Identifiers: ClinVar variation 1360928 (VCV001360928.5), dbSNP rs1834755037, ClinGen allele CA376074966.